The following is an entry in ClinVar:

ClinVar aggregate classification (germline): Uncertain significance. Review status: criteria provided, multiple submitters, no conflicts (2 of 4 stars). 2 submissions from 2 submitters: Uncertain significance (2). Last evaluated 2025-08-03.

Conditions:
Inborn genetic diseases. Identifiers: MedGen C0950123, MeSH D030342.
Cryptosporidiosis-chronic cholangitis-liver disease syndrome. Also called: Immunodeficiency type 56; IL21R immunodeficiency. Identifiers: Orphanet 357329, MedGen C3554687, MONDO:0014082, OMIM 615207.

Allele frequency attached by ClinVar (database versions not stated): gnomAD exomes 0.00003 and 0.00009; ExAC 0.00009; ESP Exome Variant Server 0.00015; TOPMed 0.00027; gnomAD 0.00030 and 0.00033; 1000 Genomes Project 0.00040; 1000 Genomes Project 30x 0.00062.

Submissions (2):

Ambry Genetics
Classification: Uncertain significance for Inborn genetic diseases. Last evaluated: 2025-08-03. Review status: criteria provided, single submitter. Criteria: Ambry Variant Classification Scheme 2023. Collection method: clinical testing. Allele origin: germline.

Labcorp Genetics (formerly Invitae), Labcorp
Classification: Uncertain significance for Cryptosporidiosis-chronic cholangitis-liver disease syndrome. Last evaluated: 2022-08-23. Review status: criteria provided, single submitter. Criteria: Invitae Variant Classification Sherloc (09022015). Collection method: clinical testing. Allele origin: germline.
Comment: This sequence change replaces leucine, which is neutral and non-polar, with phenylalanine, which is neutral and non-polar, at codon 47 of the IL21R protein (p.Leu47Phe). This variant is present in population databases (rs140808008, gnomAD 0.09%). This variant has not been reported in the literature in individuals affected with IL21R-related conditions. ClinVar contains an entry for this variant (Variation ID: 661937). Algorithms developed to predict the effect of missense changes on protein structure and function are either unavailable or do not agree on the potential impact of this missense change (SIFT: "Deleterious"; PolyPhen-2: "Probably Damaging"; Align-GVGD: "Class C0"). In summary, the available evidence is currently insufficient to determine the role of this variant in disease. Therefore, it has been classified as a Variant of Uncertain Significance.

NM_181078.3(IL21R):c.139C>T (p.Leu47Phe)

Gene: IL21R (interleukin 21 receptor; plus strand). Cytogenetic location: 16p12.1.
Variant type: single nucleotide variant.
Coding change: c.139C>T on transcript NM_181078.3 (MANE Select); coding-DNA position 139, C replaced by T.
Protein change: p.Leu47Phe; replaces leucine 47 with phenylalanine.
Molecular consequence: missense variant.
Genome position (GRCh38, 1-based): chr16:27,434,436, C>T. VCF-style: chr16-27434436-C-T. GRCh37 (hg19) VCF-style: chr16-27445757-C-T.
Other names: c.139C>T, p.Leu47Phe (NM_021798.4); c.205C>T, p.Leu69Phe (NM_181079.5); c.205C>T (NM_181079.4); short protein forms L69F, L47F.
Identifiers: ClinVar variation 661937 (VCV000661937.7), dbSNP rs140808008, ClinGen allele CA7974878.